The following is an entry in ClinVar:

NM_003470.3(USP7):c.799T>C (p.Leu267=)

Gene: USP7 (ubiquitin specific peptidase 7; minus strand). Cytogenetic location: 16p13.2.
Variant type: single nucleotide variant.
Coding change: c.799T>C on transcript NM_003470.3 (MANE Select); coding-DNA position 799, T replaced by C.
Protein change: p.Leu267=; no amino-acid change (leucine 267 retained).
Molecular consequence: synonymous variant. On other transcripts: non-coding transcript variant (1).
Genome position (GRCh38, 1-based): chr16:8,917,078, A>G on the plus strand (T>C on the coding strand, the complement: USP7 is on the minus strand). VCF-style: chr16-8917078-A-G. GRCh37 (hg19) VCF-style: chr16-9010935-A-G.
Other names: c.751T>C, p.Leu251= (NM_001286457.2); c.502T>C, p.Leu168= (NM_001286458.2); c.625T>C, p.Leu209= (NM_001321858.2).
Identifiers: ClinVar variation 4874404 (VCV004874404.2).

ClinVar aggregate classification (germline): Likely benign (1 of 4 stars; one submission).

Submission:

CeGaT Center for Human Genetics Tuebingen
Classification: Likely benign. Last evaluated: 2026-06-01. Review status: criteria provided, single submitter. Criteria: CeGaT Center For Human Genetics Tuebingen Variant Classification Criteria Version 2. Collection method: clinical testing. Allele origin: germline. Affected: yes. Observed: 1 variant allele.
Comment: USP7: PM2:Supporting, BP4, BP7